The following is an entry in ClinVar:

ClinVar aggregate classification (germline): Uncertain significance. Review status: reviewed by expert panel (3 of 4 stars). 3 submissions from 3 submitters: Uncertain significance (1). 2 of the submissions do not count toward it. Last evaluated 2025-02-25.

Conditions:
DICER1-related tumor predisposition. Also called: DICER1-related pleuropulmonary blastoma cancer predisposition syndrome; DICER1 syndrome. Identifiers: Orphanet 284343, MedGen C3839822, MONDO:0100216.
Hereditary cancer-predisposing syndrome. Also called: Tumor predisposition; Hereditary Cancer Syndrome; Neoplastic Syndromes, Hereditary; Hereditary neoplastic syndrome. Identifiers: Orphanet 140162, MedGen C0027672, MeSH D009386, MONDO:0015356.

Submissions (3):

ClinGen DICER1 and miRNA-Processing Gene Variant Curation Expert Panel, ClinGen
Classification: Uncertain significance for DICER1-related tumor predisposition. Last evaluated: 2025-02-25. Review status: reviewed by expert panel. Criteria: ClinGen DICER1 ACMG Specifications DICER1 V1.3.0. Collection method: curation. Allele origin: germline. Inheritance: Autosomal dominant inheritance.
Comment: The NM_177438.2:c.2256+6T>A variant in DICER1 is an intronic variant which located in intron 14. This variant received a total of 1 phenotype points across 1 unrelated proband meeting DICER1 VCEP phenotype specificity scoring criteria of 1-1.5 points (PS4_Supporting; Invitae, Ambry). The variant has been reported to segregate with PPB in 3 affected family members (4 meioses) from 1 family (PP1; Internal lab contributors). This variant is absent from gnomAD v4.1.0 (PM2_Supporting). The splice site predictor SpliceAI indicates that the variant impacts splicing, evidence that correlates with impact to DICER1 function (PP3). In summary, this variant meets the criteria to be classified as Uncertain Significance for DICER1 syndrome based on the ACMG/AMP criteria applied, as specified by the ClinGen DICER1 VCEP: PS4_Supporting, PP1, PM2_Supporting, PP3. (Bayesian Points: 4; VCEP specifications version 1.3.0; 02/25/2025)

Ambry Genetics
Classification: Uncertain significance for Hereditary cancer-predisposing syndrome. Last evaluated: 2026-03-03. Review status: criteria provided, single submitter. Criteria: Ambry Variant Classification Scheme 2023. Collection method: clinical testing. Allele origin: germline. Not counted in ClinVar's aggregate classification.
Comment: The c.2256+6T>A intronic variant results from a T to A substitution 6 nucleotides after coding exon 13 in the DICER1 gene. This variant was reported in individual(s) with features consistent with DICER1-related tumor predisposition (Ambry internal data). This nucleotide position is highly conserved in available vertebrate species. In silico splice site analysis predicts that this alteration will weaken the native splice donor site and may result in the creation or strengthening of a novel splice donor site. Based on the available evidence, the clinical significance of this variant remains unclear.

Labcorp Genetics (formerly Invitae), Labcorp
Classification: Uncertain significance for DICER1-related tumor predisposition. Last evaluated: 2017-09-20. Review status: criteria provided, single submitter. Criteria: Invitae Variant Classification Sherloc (09022015). Collection method: clinical testing. Allele origin: germline. Not counted in ClinVar's aggregate classification.
Comment: This sequence change falls in intron 14 of the DICER1 gene. It does not directly change the encoded amino acid sequence of the DICER1 protein, but it affects a nucleotide within the consensus splice site of the intron. This variant is not present in population databases (ExAC no frequency). This variant has not been reported in the literature in individuals with DICER1-related disease. Nucleotide substitutions within the consensus splice site are a relatively common cause of aberrant splicing (PMID: 17576681, 9536098). Algorithms developed to predict the effect of sequence changes on RNA splicing suggest that this variant may disrupt the consensus splice site, but this prediction has not been confirmed by published transcriptional studies. In summary, the available evidence is currently insufficient to determine the role of this variant in disease. Therefore, it has been classified as a Variant of Uncertain Significance.

Literature cited by the submitters: PubMed 17576681 (cited by Labcorp Genetics (formerly Invitae), Labcorp); PubMed 9536098 (cited by Labcorp Genetics (formerly Invitae), Labcorp).

NM_177438.3(DICER1):c.2256+6T>A

Gene: DICER1 (dicer 1, ribonuclease III; minus strand). Cytogenetic location: 14q32.13.
Variant type: single nucleotide variant.
Coding change: c.2256+6T>A on transcript NM_177438.3 (MANE Select); 6 bases into the intron after coding-DNA position 2256, T replaced by A.
Molecular consequence: intron variant.
Genome position (GRCh38, 1-based): chr14:95,111,311, A>T on the plus strand (T>A on the coding strand, the complement: DICER1 is on the minus strand). VCF-style: chr14-95111311-A-T. GRCh37 (hg19) VCF-style: chr14-95577648-A-T.
Other names: c.2256+6T>A (NM_001291628.2, NM_030621.4, NM_001271282.3 and 1 more transcripts).
Identifiers: ClinVar variation 543574 (VCV000543574.11), dbSNP rs1555371562, ClinGen allele CA658798256.